The following is an entry in ClinVar:

NM_017613.4(DONSON):c.1251_1256del (p.Asn417_Ser418del)

Gene: DONSON (DNA replication fork stabilization factor DONSON; minus strand). Cytogenetic location: 21q22.11.
Variant type: Deletion.
Coding change: c.1251_1256del on transcript NM_017613.4 (MANE Select); coding-DNA positions 1251 to 1256, 6 bases deleted (CTCTAA; older notation c.1251_1256delCTCTAA).
Protein change: p.Asn417_Ser418del.
Molecular consequence: inframe deletion.
Genome position (GRCh38, 1-based): chr21:33,581,396-33,581,401, TTAGAG deleted on the plus strand (CTCTAA on the coding strand, the reverse complement: DONSON is on the minus strand); deleting any 6 consecutive bases within chr21:33,581,396-33,581,404 gives the same sequence; the c. name uses the placement nearest the transcript's 3' end. VCF-style (leftmost placement, unchanged base first): chr21-33581395-CTTAGAG-C. GRCh37 (hg19) VCF-style: chr21-34953701-CTTAGAG-C.
Other names: c.1251_1256delCTCTAA (NM_017613.4).
Identifiers: ClinVar variation 431418 (VCV000431418.5), dbSNP rs1135401961, ClinGen allele CA645373285.

ClinVar aggregate classification (germline): Conflicting classifications of pathogenicity. Review status: criteria provided, conflicting classifications (1 of 4 stars). 3 submissions from 3 submitters: Likely pathogenic (1); Uncertain significance (1). 1 of the submissions does not count toward it. Last evaluated 2025-08-01.

Conditions:
Microcephaly, short stature, and limb abnormalities. Identifiers: Orphanet 572773, MedGen C4539873, MONDO:0060533, OMIM 617604.
Microcephaly-micromelia syndrome. Identifiers: Orphanet 572768, MedGen C1855079, MONDO:0009619, OMIM 251230.

Submissions (3):

First Genomix Gene Laboratory, Genetic Diagnostics Department
Classification: Likely pathogenic for Microcephaly, short stature, and limb abnormalities; Microcephaly-micromelia syndrome. Last evaluated: 2025-08-01. Review status: criteria provided, single submitter. Criteria: ACMG Guidelines, 2015. Collection method: clinical testing. Allele origin: germline. Inheritance: Autosomal recessive inheritance. Affected: no. Observed: 1 variant allele.

Juno Genomics, Hangzhou Juno Genomics, Inc
Classification: Uncertain significance for Microcephaly, short stature, and limb abnormalities; Microcephaly-micromelia syndrome. Review status: criteria provided, single submitter. Criteria: ACMG Guidelines, 2015. Collection method: clinical testing. Allele origin: germline.
Comment: Protein length changes due to in-frame deletions/insertions in a non-repeat region or stop-loss variants.;Absent from controls (or at extremely low frequency if recessive) in Genome Aggregation Database.

OMIM
Classification: Pathogenic for MICROCEPHALY, SHORT STATURE, AND LIMB ABNORMALITIES. Last evaluated: 2026-03-17. Review status: no assertion criteria provided. Collection method: literature only. Allele origin: germline. Not counted in ClinVar's aggregate classification.

Literature cited by the submitters: PubMed 28191891 (cited by OMIM).